The following is an entry in ClinVar:

NM_019066.5(MAGEL2):c.964C>T (p.Pro322Ser)

Gene: MAGEL2 (MAGE family member L2; minus strand). Cytogenetic location: 15q11.2.
Variant type: single nucleotide variant.
Coding change: c.964C>T on transcript NM_019066.5 (MANE Select); coding-DNA position 964, C replaced by T.
Protein change: p.Pro322Ser; replaces proline 322 with serine.
Molecular consequence: missense variant.
Genome position (GRCh38, 1-based): chr15:23,646,779, G>A on the plus strand (C>T on the coding strand, the complement: MAGEL2 is on the minus strand). VCF-style: chr15-23646779-G-A. GRCh37 (hg19) VCF-style: chr15-23891926-G-A.
Other names: short protein forms P322S.
Identifiers: ClinVar variation 2876420 (VCV002876420.4), dbSNP rs1890416769, ClinGen allele CA391335466.

ClinVar aggregate classification (germline): Uncertain significance. Review status: criteria provided, multiple submitters, no conflicts (2 of 4 stars). 2 submissions from 2 submitters: Uncertain significance (2). Last evaluated 2023-04-07.

Allele frequency attached by ClinVar (database versions not stated): gnomAD exomes below 0.00001.
gnomAD v4.1: 2 of 1,533,776 alleles (0.00013%); highest among the groups gnomAD compares: Non-Finnish European, 0.00017%; no homozygotes.

Submissions (2):

Labcorp Genetics (formerly Invitae), Labcorp
Classification: Uncertain significance. Last evaluated: 2023-04-07. Review status: criteria provided, single submitter. Criteria: Invitae Variant Classification Sherloc (09022015). Collection method: clinical testing. Allele origin: germline.
Comment: This sequence change replaces proline, which is neutral and non-polar, with serine, which is neutral and polar, at codon 322 of the MAGEL2 protein (p.Pro322Ser). This variant is not present in population databases (gnomAD no frequency). This variant has not been reported in the literature in individuals affected with MAGEL2-related conditions. Experimental studies and prediction algorithms are not available or were not evaluated, and the functional significance of this variant is currently unknown. In summary, the available evidence is currently insufficient to determine the role of this variant in disease. Therefore, it has been classified as a Variant of Uncertain Significance.

Blueprint Genetics
Classification: Uncertain significance. Last evaluated: 2022-07-25. Review status: criteria provided, single submitter. Criteria: ACMG Guidelines, 2015. Collection method: clinical testing. Allele origin: germline.